The following is an entry in ClinVar:

NM_000059.4(BRCA2):c.1793C>T (p.Thr598Ile)

Gene: BRCA2 (BRCA2 DNA repair associated; plus strand). Cytogenetic location: 13q13.1.
Variant type: single nucleotide variant.
Coding change: c.1793C>T on transcript NM_000059.4 (MANE Select); coding-DNA position 1793, C replaced by T.
Protein change: p.Thr598Ile; replaces threonine 598 with isoleucine.
Molecular consequence: missense variant.
Genome position (GRCh38, 1-based): chr13:32,333,271, C>T. VCF-style: chr13-32333271-C-T. GRCh37 (hg19) VCF-style: chr13-32907408-C-T.
Other names: short protein forms T598I.
Identifiers: ClinVar variation 51195 (VCV000051195.27), dbSNP rs80358462, ClinGen allele CA013244.

ClinVar aggregate classification (germline): Conflicting classifications of pathogenicity. Review status: criteria provided, conflicting classifications (1 of 4 stars). 9 submissions from 9 submitters: Uncertain significance (7); Likely benign (1). 1 of the submissions does not count toward it. Last evaluated 2025-11-12.

Conditions:
Hereditary breast ovarian cancer syndrome. Also called: Hereditary breast and ovarian cancer syndrome; Hereditary breast and ovarian cancer; Hereditary breast and ovarian cancer syndrome (HBOC); Breast and ovarian cancer; Hereditary breast and/or ovarian cancer syndrome; BRCA1- and BRCA2-Associated Hereditary Breast and Ovarian Cancer. Identifiers: Orphanet 145, MedGen C0677776, MeSH D061325, MONDO:0003582. Disease mechanism: loss of function.
Breast-ovarian cancer, familial, susceptibility to, 2 (BROVCA2). Also called: BRCA2 Hereditary Breast and Ovarian Cancer. Identifiers: Orphanet 145, MedGen C2675520, MONDO:0012933, OMIM 612555. Disease mechanism: loss of function.
Hereditary cancer-predisposing syndrome. Also called: Neoplastic Syndromes, Hereditary; Tumor predisposition; Hereditary Cancer Syndrome; Hereditary neoplastic syndrome. Identifiers: Orphanet 140162, MedGen C0027672, MeSH D009386, MONDO:0015356.

Allele frequency attached by ClinVar (database versions not stated): gnomAD exomes below 0.00001 and 0.00001; ExAC 0.00001; TOPMed 0.00001; gnomAD 0.00003.
gnomAD v4.1: 13 of 1,606,752 alleles (0.00081%); highest among the groups gnomAD compares: Middle Eastern, 0.017%; no homozygotes.

Submissions (9):

Labcorp Genetics (formerly Invitae), Labcorp
Classification: Uncertain significance for Hereditary breast ovarian cancer syndrome. Last evaluated: 2025-11-12. Review status: criteria provided, single submitter. Criteria: Invitae Variant Classification Sherloc (09022015). Collection method: clinical testing. Allele origin: germline.
Comment: This sequence change replaces threonine, which is neutral and polar, with isoleucine, which is neutral and non-polar, at codon 598 of the BRCA2 protein (p.Thr598Ile). This variant is present in population databases (rs80358462, gnomAD 0.02%). This missense change has been observed in individual(s) with a personal and/or family history of breast and/or ovarian cancer (PMID: 22034289, 27882536, 35980532). ClinVar contains an entry for this variant (Variation ID: 51195). Invitae Evidence Modeling of protein sequence and biophysical properties (such as structural, functional, and spatial information, amino acid conservation, physicochemical variation, residue mobility, and thermodynamic stability) indicates that this missense variant is not expected to disrupt BRCA2 protein function with a negative predictive value of 95%. Experimental studies have shown that this missense change does not substantially affect BRCA2 function (PMID: 33293522). In summary, the available evidence is currently insufficient to determine the role of this variant in disease. Therefore, it has been classified as a Variant of Uncertain Significance.

Ambry Genetics
Classification: Uncertain significance for Hereditary cancer-predisposing syndrome. Last evaluated: 2025-03-19. Review status: criteria provided, single submitter. Criteria: Ambry Variant Classification Scheme 2023. Collection method: clinical testing. Allele origin: germline.
Comment: The p.T598I variant (also known as c.1793C>T), located in coding exon 9 of the BRCA2 gene, results from a C to T substitution at nucleotide position 1793. The threonine at codon 598 is replaced by isoleucine, an amino acid with similar properties. This alteration has been identified in multiple individuals diagnosed with breast cancer (Fackenthal JD et al. Int. J. Cancer, 2012 Sep;131:1114-23; Abdel-Razeq H et al. Front Oncol, 2022 Mar;12:673094). This alteration was also identified in 1/527 index patients with either breast, ovarian, or pancreatic cancer (Loizidou MA et al. Clin. Genet., 2017 Apr;91:611-615). This amino acid position is not well conserved in available vertebrate species. In addition, this alteration is predicted to be tolerated by in silico analysis. Since supporting evidence is limited at this time, the clinical significance of this alteration remains unclear.

Color Diagnostics, LLC DBA Color Health
Classification: Uncertain significance for Hereditary cancer-predisposing syndrome. Last evaluated: 2024-06-20. Review status: criteria provided, single submitter. Criteria: ACMG Guidelines, 2015. Collection method: clinical testing. Allele origin: germline.
Comment: This missense variant replaces threonine with isoleucine at codon 598 of the BRCA2 protein. Computational prediction suggests that this variant may not impact protein structure and function (internally defined REVEL score threshold <= 0.5, PMID: 27666373). A functional study has reported that this variant does not impact BRCA2 function in Brca2-deficient mouse embryonic stem cells (PMID: 33293522). This variant has been reported in individuals affected with breast cancer and in a suspected hereditary breast and ovarian cancer family (PMID: 22034289, 27882536, 35402282), and in a breast cancer case-control meta-analysis in one unaffected individual (1/53460) and absent in 60466 cases (PMID: 33471991; Leiden Open Variation Database DB-ID BRCA2_002676). This variant has been identified in 3/275402 chromosomes in the general population by the Genome Aggregation Database (gnomAD). The available evidence is insufficient to determine the role of this variant in disease conclusively. Therefore, this variant is classified as a Variant of Uncertain Significance.

GeneDx
Classification: Uncertain significance. Last evaluated: 2024-03-08. Review status: criteria provided, single submitter. Criteria: GeneDx Variant Classification Process June 2021. Collection method: clinical testing. Allele origin: germline. Affected: yes.
Comment: Published functional studies suggest a neutral effect: able to rescue the lethality of Brca2 null in a mESC assay (PMID: 33293522); In silico analysis supports that this missense variant does not alter protein structure/function; Not observed at significant frequency in large population cohorts (gnomAD); This variant is associated with the following publications: (PMID: 22034289, 29884841, 36922933, 32377563, 35980532, 31911673, 31853058, 27882536, 35585550, 35402282, 33293522)

KCCC/NGS Laboratory, Kuwait Cancer Control Center
Classification: Uncertain significance for Breast-ovarian cancer, familial, susceptibility to, 2. Last evaluated: 2023-06-06. Review status: criteria provided, single submitter. Criteria: ACMG Guidelines, 2015. Collection method: clinical testing. Allele origin: germline. Affected: yes.
Comment: We detected an in-frame deletion in the BRCA1 gene (c.1793C>T) which results in the substitution of the amino acid isoleucine for threonine at position 598. This mutation is considered as a variant of unknown significance.

University of Washington Department of Laboratory Medicine, University of Washington
Classification: Likely benign for Hereditary cancer-predisposing syndrome. Last evaluated: 2023-03-23. Review status: criteria provided, single submitter. Criteria: Dines et al. (Genet Med. 2020). Collection method: curation. Allele origin: germline.
Comment: Missense variant in a coldspot region where missense variants are very unlikely to be pathogenic (PMID:31911673).

BRCA2 exon 10 coldspot. Reclassification based on statistical prior probability.

Quest Diagnostics Nichols Institute San Juan Capistrano
Classification: Uncertain significance. Last evaluated: 2019-12-22. Review status: criteria provided, single submitter. Criteria: Quest Diagnostics criteria. Collection method: clinical testing. Allele origin: unknown.

Mendelics
Classification: Uncertain significance for Breast-ovarian cancer, familial, susceptibility to, 2. Last evaluated: 2019-05-28. Review status: criteria provided, single submitter. Criteria: Mendelics Assertion Criteria 2017. Collection method: clinical testing. Allele origin: unknown.

Breast Cancer Information Core (BIC) (BRCA2)
Classification: Uncertain significance for Breast-ovarian cancer, familial 2. Last evaluated: 2003-12-23. Review status: no assertion criteria provided. Collection method: clinical testing. Allele origin: germline. Affected: yes. Observed: 1 variant allele. Not counted in ClinVar's aggregate classification.

Literature cited by the submitters: PubMed 22034289 (cited by 4 submitters); PubMed 27882536 (cited by 4 submitters); PubMed 35980532 (cited by Labcorp Genetics (formerly Invitae), Labcorp); PubMed 33293522 (cited by Labcorp Genetics (formerly Invitae), Labcorp and Color Diagnostics, LLC DBA Color Health); PubMed 35402282 (cited by Ambry Genetics and Color Diagnostics, LLC DBA Color Health); PubMed 33471991 (cited by Color Diagnostics, LLC DBA Color Health).